The following is an entry in ClinVar:

NM_001256715.2(DNAAF3):c.901C>T (p.Gln301Ter)

Genes: DNAAF3 (dynein axonemal assembly factor 3; minus strand), DNAAF3-AS1 (DNAAF3 antisense RNA 1; plus strand). Cytogenetic location: 19q13.42.
Variant type: single nucleotide variant.
Coding change: c.901C>T on transcript NM_001256715.2 (MANE Select); coding-DNA position 901, C replaced by T.
Protein change: p.Gln301Ter; replaces glutamine 301 with a stop codon.
Molecular consequence: nonsense.
Genome position (GRCh38, 1-based): chr19:55,161,076, G>A on the plus strand (C>T on the coding strand, the complement: DNAAF3 is on the minus strand). VCF-style: chr19-55161076-G-A. GRCh37 (hg19) VCF-style: chr19-55672444-G-A.
Other names: c.1105C>T, p.Gln369Ter (NM_001256714.1); c.739C>T, p.Gln247Ter (NM_001256716.2); c.1042C>T, p.Gln348Ter (NM_178837.4); short protein forms Q247*, Q301*, Q348*, Q369*.
Identifiers: ClinVar variation 1324262 (VCV001324262.6), dbSNP rs2085819579, ClinGen allele CA407452085.

ClinVar aggregate classification (germline): Pathogenic/Likely pathogenic. Review status: criteria provided, multiple submitters, no conflicts (2 of 4 stars). 2 submissions from 2 submitters: Pathogenic (1); Likely pathogenic (1). Last evaluated 2021-10-07.

Conditions:
Primary ciliary dyskinesia. Also called: Ciliary dyskinesia. Identifiers: Orphanet 244, MedGen C0008780, MONDO:0016575, HP:0012265.
Primary ciliary dyskinesia 2. Also called: CILIARY DYSKINESIA, PRIMARY, 2, WITH OR WITHOUT SITUS INVERSUS. Identifiers: Orphanet 244, MedGen C1847554, MONDO:0011718, OMIM 606763.

Submissions (2):

Ambry Genetics
Classification: Pathogenic for Primary ciliary dyskinesia. Last evaluated: 2021-10-07. Review status: criteria provided, single submitter. Criteria: Ambry Variant Classification Scheme 2023. Collection method: clinical testing. Allele origin: germline.
Comment: The p.Q369* pathogenic mutation (also known as c.1105C>T), located in coding exon 8 of the DNAAF3 gene, results from a C to T substitution at nucleotide position 1105. This changes the amino acid from a glutamine to a stop codon within coding exon 8. This alteration was detected in an individual in a primary ciliary dyskinesia (PCD) cohort (Alzaid M et al. Int J Pediatr Adolesc Med, 2021 Dec;8:258-263). This variant is considered to be rare based on population cohorts in the Genome Aggregation Database (gnomAD). This alteration is expected to result in loss of function by premature protein truncation or nonsense-mediated mRNA decay. As such, this alteration is interpreted as a disease-causing mutation.

Revvity Omics, Revvity
Classification: Likely pathogenic for Primary ciliary dyskinesia 2. Last evaluated: 2020-06-30. Review status: criteria provided, single submitter. Criteria: ACMG Guidelines, 2015. Collection method: clinical testing. Allele origin: germline.

Literature cited by the submitters: PubMed 34401452 (cited by Ambry Genetics).